The following is an entry in ClinVar:

ClinVar aggregate classification (germline): Pathogenic (1 of 4 stars; one submission).

Conditions:
Primary ciliary dyskinesia. Also called: Ciliary dyskinesia. Identifiers: Orphanet 244, MedGen C0008780, MONDO:0016575, HP:0012265.

Submission:

Labcorp Genetics (formerly Invitae), Labcorp
Classification: Pathogenic for Primary ciliary dyskinesia. Last evaluated: 2025-11-06. Review status: criteria provided, single submitter. Criteria: Invitae Variant Classification Sherloc (09022015). Collection method: clinical testing. Allele origin: germline.
Comment: This sequence change creates a premature translational stop signal (p.Glu13*) in the CCDC103 gene. It is expected to result in an absent or disrupted protein product. Loss-of-function variants in CCDC103 are known to be pathogenic (PMID: 22581229, 30067075). This variant is not present in population databases (gnomAD no frequency). This variant has not been reported in the literature in individuals affected with CCDC103-related conditions. For these reasons, this variant has been classified as Pathogenic.

Literature cited by the submitters: PubMed 22581229; PubMed 30067075.

NM_213607.3(DNAAF19):c.37G>T (p.Glu13Ter)

Gene: DNAAF19 (dynein axonemal assembly factor 19; plus strand). Cytogenetic location: 17q21.31.
Variant type: single nucleotide variant.
Coding change: c.37G>T on transcript NM_213607.3 (MANE Select); coding-DNA position 37, G replaced by T.
Protein change: p.Glu13Ter; replaces glutamic acid 13 with a stop codon.
Molecular consequence: nonsense.
Genome position (GRCh38, 1-based): chr17:44,901,035, G>T. VCF-style: chr17-44901035-G-T. GRCh37 (hg19) VCF-style: chr17-42978403-G-T.
Other names: c.37G>T, p.Glu13Ter (NM_001258395.2, NM_001258396.2, NM_001258397.3 and 2 more transcripts); short protein forms E13*.
Identifiers: ClinVar variation 4786620 (VCV004786620.1).